The following is an entry in ClinVar:

NM_007194.4(CHEK2):c.133A>G (p.Thr45Ala)

Gene: CHEK2 (checkpoint kinase 2; minus strand). Cytogenetic location: 22q12.1.
Variant type: single nucleotide variant.
Coding change: c.133A>G on transcript NM_007194.4 (MANE Select); coding-DNA position 133, A replaced by G.
Protein change: p.Thr45Ala; replaces threonine 45 with alanine.
Molecular consequence: missense variant.
Genome position (GRCh38, 1-based): chr22:28,734,589, T>C on the plus strand (A>G on the coding strand, the complement: CHEK2 is on the minus strand). VCF-style: chr22-28734589-T-C. GRCh37 (hg19) VCF-style: chr22-29130577-T-C.
Other names: c.133A>G, p.Thr45Ala (NM_001005735.3, NM_001349956.3, NM_145862.3); c.-645A>G (NM_001257387.3); short protein forms T45A.
Identifiers: ClinVar variation 2680751 (VCV002680751.3), dbSNP rs2518132363, ClinGen allele CA411091190.

ClinVar aggregate classification (germline): Uncertain significance. Review status: criteria provided, multiple submitters, no conflicts (2 of 4 stars). 2 submissions from 2 submitters: Uncertain significance (2). Last evaluated 2024-07-18.

Conditions:
Familial cancer of breast. Also called: hereditary breast carcinoma; BREAST CANCER, FAMILIAL; Hereditary breast cancer. Identifiers: Orphanet 227535, MedGen C0346153, MONDO:0016419, OMIM 114480. Disease mechanism: loss of function.

Submissions (2):

Labcorp Genetics (formerly Invitae), Labcorp
Classification: Uncertain significance for Familial cancer of breast. Last evaluated: 2024-07-18. Review status: criteria provided, single submitter. Criteria: Invitae Variant Classification Sherloc (09022015). Collection method: clinical testing. Allele origin: germline.
Comment: This sequence change replaces threonine, which is neutral and polar, with alanine, which is neutral and non-polar, at codon 45 of the CHEK2 protein (p.Thr45Ala). This variant is not present in population databases (gnomAD no frequency). This variant has not been reported in the literature in individuals affected with CHEK2-related conditions. An algorithm developed to predict the effect of missense changes on protein structure and function (PolyPhen-2) suggests that this variant is likely to be disruptive. In summary, the available evidence is currently insufficient to determine the role of this variant in disease. Therefore, it has been classified as a Variant of Uncertain Significance.

Baylor Genetics
Classification: Uncertain significance for Familial cancer of breast. Last evaluated: 2023-06-14. Review status: criteria provided, single submitter. Criteria: ACMG Guidelines, 2015. Collection method: clinical testing. Allele origin: unknown.